The following is an entry in ClinVar:

ClinVar aggregate classification (germline): Likely benign (1 of 4 stars; one submission).

Submission:

CeGaT Center for Human Genetics Tuebingen
Classification: Likely benign. Last evaluated: 2025-09-01. Review status: criteria provided, single submitter. Criteria: CeGaT Center For Human Genetics Tuebingen Variant Classification Criteria Version 2. Collection method: clinical testing. Allele origin: germline. Affected: yes. Observed: 1 variant allele.
Comment: COL15A1: BP4, BP7

NM_001855.5(COL15A1):c.1830G>A (p.Leu610=)

Gene: COL15A1 (collagen type XV alpha 1 chain; plus strand). Cytogenetic location: 9q22.33.
Variant type: single nucleotide variant.
Coding change: c.1830G>A on transcript NM_001855.5 (MANE Select); coding-DNA position 1830, G replaced by A.
Protein change: p.Leu610=; no amino-acid change (leucine 610 retained).
Molecular consequence: synonymous variant.
Genome position (GRCh38, 1-based): chr9:99,023,425, G>A. VCF-style: chr9-99023425-G-A. GRCh37 (hg19) VCF-style: chr9-101785707-G-A.
Identifiers: ClinVar variation 4281379 (VCV004281379.7).